The following is an entry in ClinVar:

ClinVar aggregate classification (germline): Conflicting classifications of pathogenicity. Review status: criteria provided, conflicting classifications (1 of 4 stars). 2 submissions from 2 submitters: Uncertain significance (1); Likely benign (1). Last evaluated 2025-12-10.

Conditions:
Short stature-optic atrophy-Pelger-Huët anomaly syndrome. Also called: Short stature, optic nerve atrophy, and Pelger-Huet anomaly; Short stature-optic atrophy-Pelger-HuC+t anomaly syndrome. Identifiers: Orphanet 391677, MedGen C3541319, MONDO:0013889, OMIM 614800.

Allele frequency attached by ClinVar (database versions not stated): gnomAD 0.00001; TOPMed 0.00001; ExAC 0.00003; gnomAD exomes 0.00005; ESP Exome Variant Server 0.00008.
gnomAD v4.1: 66 of 1,613,856 alleles (0.0041%); highest among the groups gnomAD compares: South Asian, 0.012%; no homozygotes.

Submissions (2):

Labcorp Genetics (formerly Invitae), Labcorp
Classification: Likely benign. Last evaluated: 2025-12-10. Review status: criteria provided, single submitter. Criteria: Invitae Variant Classification Sherloc (09022015). Collection method: clinical testing. Allele origin: germline.

Neuberg Centre For Genomic Medicine, NCGM
Classification: Uncertain significance for Short stature-optic atrophy-Pelger-Huët anomaly syndrome. Review status: criteria provided, single submitter. Criteria: ACMG Guidelines, 2015. Collection method: clinical testing. Allele origin: germline. Inheritance: Autosomal recessive inheritance. Affected: yes.
Comment: The observed missense variant c.4222C>T(p.Arg1408Cys) in NBAS gene has not been reported previously as a pathogenic variant nor as a benign variant, to our knowledge. The c.4222C>T variant has 0.005% alelle frequency in gnomAD Exomes. This variant has been reported to the ClinVar database as Likely Benign. Computational evidence (Polyphen-poosibly damaging, SIFT-Tolerated and Mutation Taster-Polymorphism) predicts conflicting evidence on protein structure and function for this variant. The amino acid Arginine at position 1408 is changed to a Cysteine changing protein sequence and it might alter its composition and physico-chemical properties. The reference amino acid p.Arg1408Cys in NBAS is predicted as conserved by GERP++ and PhyloP across 100 vertebrates. For these reasons, this variant has been classified as Uncertain Significance.

NM_015909.4(NBAS):c.4222C>T (p.Arg1408Cys)

Gene: NBAS (NBAS subunit of NRZ tethering complex; minus strand). Cytogenetic location: 2p24.3.
Variant type: single nucleotide variant.
Coding change: c.4222C>T on transcript NM_015909.4 (MANE Select); coding-DNA position 4222, C replaced by T.
Protein change: p.Arg1408Cys; replaces arginine 1408 with cysteine.
Molecular consequence: missense variant. On other transcripts: non-coding transcript variant (1).
Genome position (GRCh38, 1-based): chr2:15,330,723, G>A on the plus strand (C>T on the coding strand, the complement: NBAS is on the minus strand). VCF-style: chr2-15330723-G-A. GRCh37 (hg19) VCF-style: chr2-15470847-G-A.
Other names: short protein forms R1408C.
Identifiers: ClinVar variation 1402686 (VCV001402686.10), dbSNP rs369879081, ClinGen allele CA1535736.